The following is an entry in ClinVar:

ClinVar aggregate classification (germline): Uncertain significance (1 of 4 stars; one submission).

Allele frequency attached by ClinVar (database versions not stated): TOPMed below 0.00001; gnomAD exomes below 0.00001.
gnomAD v4.1: 6 of 1,613,162 alleles (0.00037%); highest among the groups gnomAD compares: Admixed American, 0.0017%; no homozygotes.

Submission:

Labcorp Genetics (formerly Invitae), Labcorp
Classification: Uncertain significance. Last evaluated: 2023-06-09. Review status: criteria provided, single submitter. Criteria: Invitae Variant Classification Sherloc (09022015). Collection method: clinical testing. Allele origin: germline.
Comment: In summary, the available evidence is currently insufficient to determine the role of this variant in disease. Therefore, it has been classified as a Variant of Uncertain Significance. Advanced modeling of protein sequence and biophysical properties (such as structural, functional, and spatial information, amino acid conservation, physicochemical variation, residue mobility, and thermodynamic stability) performed at Invitae indicates that this missense variant is not expected to disrupt NBAS protein function. ClinVar contains an entry for this variant (Variation ID: 1390421). This variant has not been reported in the literature in individuals affected with NBAS-related conditions. This variant is present in population databases (no rsID available, gnomAD 0.003%). This sequence change replaces serine, which is neutral and polar, with cysteine, which is neutral and slightly polar, at codon 1067 of the NBAS protein (p.Ser1067Cys).

NM_015909.4(NBAS):c.3200C>G (p.Ser1067Cys)

Gene: NBAS (NBAS subunit of NRZ tethering complex; minus strand). Cytogenetic location: 2p24.3.
Variant type: single nucleotide variant.
Coding change: c.3200C>G on transcript NM_015909.4 (MANE Select); coding-DNA position 3200, C replaced by G.
Protein change: p.Ser1067Cys; replaces serine 1067 with cysteine.
Molecular consequence: missense variant. On other transcripts: non-coding transcript variant (1).
Genome position (GRCh38, 1-based): chr2:15,394,284, G>C on the plus strand (C>G on the coding strand, the complement: NBAS is on the minus strand). VCF-style: chr2-15394284-G-C. GRCh37 (hg19) VCF-style: chr2-15534408-G-C.
Other names: short protein forms S1067C.
Identifiers: ClinVar variation 1390421 (VCV001390421.4), dbSNP rs1446051160, ClinGen allele CA345880608.
Genomic context (GRCh38, chr2:15,394,284, plus strand): 5'-CACTTCCGGCCAGTGTGCCTCGTCAATCTAACCATCAGCTTGCGTGCCTCTTCTGAGCTA[G>C]ATTGAGTGTTTTTAACAAATGAAATTGGTTTCTCGAGTCCATGTTTTTCCAAAAGCTCTG-3'
Protein context (NP_056993.2, residues 1057-1077): KPISFVKNTQ[Ser1067Cys]SSEEARKLMV